The following is an entry in ClinVar:

NM_058179.4(PSAT1):c.713C>G (p.Ser238Cys)

Gene: PSAT1 (phosphoserine aminotransferase 1; plus strand). Cytogenetic location: 9q21.2.
Variant type: single nucleotide variant.
Coding change: c.713C>G on transcript NM_058179.4 (MANE Select); coding-DNA position 713, C replaced by G.
Protein change: p.Ser238Cys; replaces serine 238 with cysteine.
Molecular consequence: missense variant.
Genome position (GRCh38, 1-based): chr9:78,308,556, C>G. VCF-style: chr9-78308556-C-G. GRCh37 (hg19) VCF-style: chr9-80923472-C-G.
Other names: c.713C>G, p.Ser238Cys (NM_021154.5); short protein forms S238C.
Identifiers: ClinVar variation 1997541 (VCV001997541.4), dbSNP rs2489650685, ClinGen allele CA373874444.
Genomic context (GRCh38, chr9:78,308,556, plus strand): 5'-GGTTTGCCCTCCGAGAGTGCCCCTCGGTCCTGGAATACAAGGTGCAGGCTGGAAACAGCT[C>G]CTTGTACAACACGCCTCCATGTTTCAGGTAACTCTGGGAGTCAGTCTTGTGGACCCAGGG-3'
Protein context (NP_478059.1, residues 228-248): LEYKVQAGNS[Ser238Cys]LYNTPPCFSI

ClinVar aggregate classification (germline): Uncertain significance (1 of 4 stars; one submission).

Conditions:
Neu-Laxova syndrome 2. Identifiers: Orphanet 2671, Orphanet 583602, MedGen C4015019, MONDO:0014466, OMIM 616038.

Submission:

Labcorp Genetics (formerly Invitae), Labcorp
Classification: Uncertain significance for Neu-Laxova syndrome 2. Last evaluated: 2022-05-26. Review status: criteria provided, single submitter. Criteria: Invitae Variant Classification Sherloc (09022015). Collection method: clinical testing. Allele origin: germline.
Comment: This variant is not present in population databases (gnomAD no frequency). This sequence change replaces serine, which is neutral and polar, with cysteine, which is neutral and slightly polar, at codon 238 of the PSAT1 protein (p.Ser238Cys). In summary, the available evidence is currently insufficient to determine the role of this variant in disease. Therefore, it has been classified as a Variant of Uncertain Significance. Algorithms developed to predict the effect of missense changes on protein structure and function are either unavailable or do not agree on the potential impact of this missense change (SIFT: "Deleterious"; PolyPhen-2: "Probably Damaging"; Align-GVGD: "Class C0"). This variant has not been reported in the literature in individuals affected with PSAT1-related conditions.